The following is an entry in ClinVar:

ClinVar aggregate classification (germline): Uncertain significance. Review status: criteria provided, multiple submitters, no conflicts (2 of 4 stars). 2 submissions from 2 submitters: Uncertain significance (2). Last evaluated 2025-08-08.

Conditions:
Hereditary cancer-predisposing syndrome. Also called: Hereditary Cancer Syndrome; Hereditary neoplastic syndrome; Neoplastic Syndromes, Hereditary; Tumor predisposition. Identifiers: Orphanet 140162, MedGen C0027672, MeSH D009386, MONDO:0015356.
EGFR-related lung cancer (EGFR). Identifiers: MedGen CN130014.

gnomAD v4.1: 4 of 1,614,086 alleles (0.00025%); highest among the groups gnomAD compares: African/African-American, 0.004%; no homozygotes.

Submissions (2):

Ambry Genetics
Classification: Uncertain significance for Hereditary cancer-predisposing syndrome. Last evaluated: 2025-08-08. Review status: criteria provided, single submitter. Criteria: Ambry Variant Classification Scheme 2023. Collection method: clinical testing. Allele origin: germline.
Comment: The p.P265H variant (also known as c.794C>A), located in coding exon 7 of the EGFR gene, results from a C to A substitution at nucleotide position 794. The proline at codon 265 is replaced by histidine, an amino acid with similar properties. This amino acid position is conserved. In addition, this alteration is predicted to be deleterious by in silico analysis. Based on the available evidence, the clinical significance of this variant remains unclear.

Labcorp Genetics (formerly Invitae), Labcorp
Classification: Uncertain significance for EGFR-related lung cancer. Last evaluated: 2025-03-02. Review status: criteria provided, single submitter. Criteria: Invitae Variant Classification Sherloc (09022015). Collection method: clinical testing. Allele origin: germline.
Comment: This sequence change replaces proline, which is neutral and non-polar, with histidine, which is basic and polar, at codon 265 of the EGFR protein (p.Pro265His). This variant is present in population databases (rs748627278, gnomAD 0.007%). This variant has not been reported in the literature in individuals affected with EGFR-related conditions. Invitae Evidence Modeling of protein sequence and biophysical properties (such as structural, functional, and spatial information, amino acid conservation, physicochemical variation, residue mobility, and thermodynamic stability) has been performed for this missense variant. However, the output from this modeling did not meet the statistical confidence thresholds required to predict the impact of this variant on EGFR protein function. In summary, the available evidence is currently insufficient to determine the role of this variant in disease. Therefore, it has been classified as a Variant of Uncertain Significance.

NM_005228.5(EGFR):c.794C>A (p.Pro265His)

Gene: EGFR (epidermal growth factor receptor; plus strand). Cytogenetic location: 7p11.2.
Variant type: single nucleotide variant.
Coding change: c.794C>A on transcript NM_005228.5 (MANE Select); coding-DNA position 794, C replaced by A.
Protein change: p.Pro265His; replaces proline 265 with histidine.
Molecular consequence: missense variant. On other transcripts: intron variant (1).
Genome position (GRCh38, 1-based): chr7:55,154,057, C>A. VCF-style: chr7-55154057-C-A. GRCh37 (hg19) VCF-style: chr7-55221750-C-A.
Other names: c.659C>A, p.Pro220His (NM_001346897.2, NM_001346899.2); c.794C>A, p.Pro265His (NM_001346898.2, NM_201282.2, NM_201283.2 and 1 more transcripts); c.635C>A, p.Pro212His (NM_001346900.2); c.89-1773C>A (NM_001346941.2); short protein forms P212H, P220H, P265H.
Identifiers: ClinVar variation 4247342 (VCV004247342.2).